The following is an entry in ClinVar:

NM_058222.3(TECTB):c.463C>T (p.Leu155=)

Gene: TECTB (tectorin beta; plus strand). Cytogenetic location: 10q25.2.
Variant type: single nucleotide variant.
Coding change: c.463C>T on transcript NM_058222.3 (MANE Select); coding-DNA position 463, C replaced by T.
Protein change: p.Leu155=; no amino-acid change (leucine 155 retained).
Molecular consequence: synonymous variant.
Genome position (GRCh38, 1-based): chr10:112,286,371, C>T. VCF-style: chr10-112286371-C-T. GRCh37 (hg19) VCF-style: chr10-114046129-C-T.
Identifiers: ClinVar variation 3035523 (VCV003035523.2), dbSNP rs1305163315, ClinGen allele CA471508357.

ClinVar aggregate classification (germline): Likely benign (0 of 4 stars; one submission).

Conditions:
TECTB-related disorder. Also called: TECTB-related condition.

Submission:

PreventionGenetics, part of Exact Sciences
Classification: Likely benign for TECTB-related condition. Last evaluated: 2019-08-09. Review status: no assertion criteria provided. Collection method: clinical testing. Allele origin: germline.
Comment: This variant is classified as likely benign based on ACMG/AMP sequence variant interpretation guidelines (Richards et al. 2015 PMID: 25741868, with internal and published modifications).